The following is an entry in ClinVar:

ClinVar aggregate classification (germline): Conflicting classifications of pathogenicity. Review status: criteria provided, conflicting classifications (1 of 4 stars). 3 submissions from 3 submitters: Uncertain significance (2); Likely benign (1). Last evaluated 2024-04-22.

Conditions:
Hereditary cancer-predisposing syndrome. Also called: Hereditary neoplastic syndrome; Neoplastic Syndromes, Hereditary; Tumor predisposition; Hereditary Cancer Syndrome. Identifiers: Orphanet 140162, MedGen C0027672, MeSH D009386, MONDO:0015356.
Hereditary breast ovarian cancer syndrome. Also called: Hereditary breast and ovarian cancer syndrome (HBOC); Breast and ovarian cancer; Hereditary breast and/or ovarian cancer syndrome; BRCA1- and BRCA2-Associated Hereditary Breast and Ovarian Cancer; Hereditary breast and ovarian cancer syndrome; Hereditary breast and ovarian cancer. Identifiers: Orphanet 145, MedGen C0677776, MeSH D061325, MONDO:0003582. Disease mechanism: loss of function.

Allele frequency attached by ClinVar (database versions not stated): TOPMed 0.00001.

Submissions (3):

Labcorp Genetics (formerly Invitae), Labcorp
Classification: Uncertain significance for Hereditary breast ovarian cancer syndrome. Last evaluated: 2024-04-22. Review status: criteria provided, single submitter. Criteria: Invitae Variant Classification Sherloc (09022015). Collection method: clinical testing. Allele origin: germline.
Comment: This sequence change replaces isoleucine, which is neutral and non-polar, with valine, which is neutral and non-polar, at codon 2149 of the BRCA2 protein (p.Ile2149Val). This variant is not present in population databases (gnomAD no frequency). This variant has not been reported in the literature in individuals affected with BRCA2-related conditions. ClinVar contains an entry for this variant (Variation ID: 185224). Advanced modeling of protein sequence and biophysical properties (such as structural, functional, and spatial information, amino acid conservation, physicochemical variation, residue mobility, and thermodynamic stability) performed at Invitae indicates that this missense variant is not expected to disrupt BRCA2 protein function with a negative predictive value of 95%. In summary, the available evidence is currently insufficient to determine the role of this variant in disease. Therefore, it has been classified as a Variant of Uncertain Significance.

University of Washington Department of Laboratory Medicine, University of Washington
Classification: Likely benign for Hereditary cancer-predisposing syndrome. Last evaluated: 2023-03-23. Review status: criteria provided, single submitter. Criteria: Dines et al. (Genet Med. 2020). Collection method: curation. Allele origin: germline.
Comment: Missense variant in a coldspot region where missense variants are very unlikely to be pathogenic (PMID:31911673).

BRCA2 exon 11 coldspot. Reclassification based on statistical prior probability.

Ambry Genetics
Classification: Uncertain significance for Hereditary cancer-predisposing syndrome. Last evaluated: 2020-05-21. Review status: criteria provided, single submitter. Criteria: Ambry Variant Classification Scheme 2023. Collection method: clinical testing. Allele origin: germline.
Comment: The p.I2149V variant (also known as c.6445A>G), located in coding exon 10 of the BRCA2 gene, results from an A to G substitution at nucleotide position 6445. The isoleucine at codon 2149 is replaced by valine, an amino acid with highly similar properties. This amino acid position is poorly conserved in available vertebrate species. In addition, this alteration is predicted to be tolerated by in silico analysis. Since supporting evidence is limited at this time, the clinical significance of this alteration remains unclear.

NM_000059.4(BRCA2):c.6445A>G (p.Ile2149Val)

Gene: BRCA2 (BRCA2 DNA repair associated; plus strand). Cytogenetic location: 13q13.1.
Variant type: single nucleotide variant.
Coding change: c.6445A>G on transcript NM_000059.4 (MANE Select); coding-DNA position 6445, A replaced by G.
Protein change: p.Ile2149Val; replaces isoleucine 2149 with valine.
Molecular consequence: missense variant.
Genome position (GRCh38, 1-based): chr13:32,340,800, A>G. VCF-style: chr13-32340800-A-G. GRCh37 (hg19) VCF-style: chr13-32914937-A-G.
Other names: short protein forms I2149V.
Identifiers: ClinVar variation 185224 (VCV000185224.15), dbSNP rs786202013, ClinGen allele CA024052.